The following is an entry in ClinVar:

NM_001164586.2(IGFN1):c.4983G>A (p.Gly1661=)

Gene: IGFN1 (immunoglobulin like and fibronectin type III domain containing 1; plus strand). Cytogenetic location: 1q32.1.
Variant type: single nucleotide variant.
Coding change: c.4983G>A on transcript NM_001164586.2 (MANE Select); coding-DNA position 4983, G replaced by A.
Protein change: p.Gly1661=; no amino-acid change (glycine 1661 retained).
Molecular consequence: synonymous variant. On other transcripts: intron variant (1).
Genome position (GRCh38, 1-based): chr1:201,209,876, G>A. VCF-style: chr1-201209876-G-A. GRCh37 (hg19) VCF-style: chr1-201179004-G-A.
Other names: c.1242-3630G>A (NM_001367841.1).
Identifiers: ClinVar variation 4821610 (VCV004821610.4).

ClinVar aggregate classification (germline): Likely benign (1 of 4 stars; one submission).

gnomAD v4.1: 3 of 1,478,762 alleles (0.0002%); highest among the groups gnomAD compares: East Asian, 0.0026%; no homozygotes.

Submission:

CeGaT Center for Human Genetics Tuebingen
Classification: Likely benign. Last evaluated: 2026-06-01. Review status: criteria provided, single submitter. Criteria: CeGaT Center For Human Genetics Tuebingen Variant Classification Criteria Version 2. Collection method: clinical testing. Allele origin: germline. Affected: yes. Observed: 2 variant alleles.
Comment: IGFN1: BP4, BP7